The following is an entry in ClinVar:

NM_004006.3(DMD):c.5851C>T (p.Gln1951Ter)

Gene: DMD (dystrophin; minus strand). Cytogenetic location: Xp21.1.
Variant type: single nucleotide variant.
Coding change: c.5851C>T on transcript NM_004006.3 (MANE Select); coding-DNA position 5851, C replaced by T.
Protein change: p.Gln1951Ter; replaces glutamine 1951 with a stop codon.
Molecular consequence: nonsense.
Genome position (GRCh38, 1-based): chrX:32,342,171, G>A on the plus strand (C>T on the coding strand, the complement: DMD is on the minus strand). VCF-style: chrX-32342171-G-A. GRCh37 (hg19) VCF-style: chrX-32360288-G-A.
Other names: c.5827C>T, p.Gln1943Ter (NM_000109.4); c.5839C>T, p.Gln1947Ter (NM_004009.3); c.5482C>T, p.Gln1828Ter (NM_004010.3); c.1828C>T, p.Gln610Ter (NM_004011.4); c.1819C>T, p.Gln607Ter (NM_004012.4); short protein forms Q1951*, Q607*, Q610*, Q1828*, Q1943*, Q1947*.
Identifiers: ClinVar variation 447260 (VCV000447260.20), dbSNP rs773643220, ClinGen allele CA412664946.

ClinVar aggregate classification (germline): Pathogenic. Review status: criteria provided, multiple submitters, no conflicts (2 of 4 stars). 4 submissions from 4 submitters: Pathogenic (4). Last evaluated 2024-06-15.

Conditions:
Duchenne muscular dystrophy (DMD). Also called: MUSCULAR DYSTROPHY, PSEUDOHYPERTROPHIC PROGRESSIVE, DUCHENNE TYPE; Duchenne Muscular Dystrophy (DMD). Identifiers: Orphanet 98896, MedGen C0013264, MONDO:0010679, OMIM 310200.

Submissions (4):

Labcorp Genetics (formerly Invitae), Labcorp
Classification: Pathogenic for Duchenne muscular dystrophy. Last evaluated: 2024-06-15. Review status: criteria provided, single submitter. Criteria: Invitae Variant Classification Sherloc (09022015). Collection method: clinical testing. Allele origin: germline.
Comment: This sequence change creates a premature translational stop signal (p.Gln1951*) in the DMD gene. It is expected to result in an absent or disrupted protein product. Loss-of-function variants in DMD are known to be pathogenic (PMID: 16770791, 25007885). This variant is not present in population databases (gnomAD no frequency). This premature translational stop signal has been observed in individuals with muscular dystrophy (PMID: 9195228, 16834926, 27593222). ClinVar contains an entry for this variant (Variation ID: 447260). For these reasons, this variant has been classified as Pathogenic.

Revvity Omics, Revvity
Classification: Pathogenic. Last evaluated: 2021-07-01. Review status: criteria provided, single submitter. Criteria: ACMG Guidelines, 2015. Collection method: clinical testing. Allele origin: germline.

ARUP Laboratories, Molecular Genetics and Genomics, ARUP Laboratories
Classification: Pathogenic. Last evaluated: 2018-07-31. Review status: criteria provided, single submitter. Criteria: ARUP Molecular Germline Variant Investigation Process. Collection method: clinical testing. Allele origin: germline.
Comment: The DMD c.5851C>T; p.Gln1951Ter variant (rs773643220) has been described in the medical literature in at least one individual affected with Duchenne muscular dystrophy (DMD; Cho 2017). It is reported as pathogenic in ClinVar (Variation ID: 447260) and is absent from general population databases (1000 Genomes Project, Exome Variant Server, and Genome Aggregation Database), indicating it is not a common polymorphism. This variant induces an early termination codon and is predicted to result in a truncated protein or mRNA subject to nonsense-mediated decay. Additionally, several downstream truncating variants have been described in individuals affected with DMD and are considered pathogenic (Cho 2017, Flanigan 2009). Based on available information, the p.Gln1951Ter variant is considered pathogenic. REFERENCES Cho A et al. Consecutive analysis of mutation spectrum in the dystrophin gene of 507 Korean boys with Duchenne/Becker muscular dystrophy in a single center. Muscle Nerve. 2017 May;55(5):727-734. Flanigan K et al. Mutational spectrum of DMD mutations in dystrophinopathy patients: application of modern diagnostic techniques to a large cohort. Hum Mutat. 2009 Dec;30(12):1657-66.

Athena Diagnostics
Classification: Pathogenic. Last evaluated: 2016-10-24. Review status: criteria provided, single submitter. Criteria: Athena Diagnostics Criteria. Collection method: clinical testing. Allele origin: germline.

Literature cited by the submitters: PubMed 16770791 (cited by Labcorp Genetics (formerly Invitae), Labcorp); PubMed 25007885 (cited by Labcorp Genetics (formerly Invitae), Labcorp); PubMed 9195228 (cited by Labcorp Genetics (formerly Invitae), Labcorp and Athena Diagnostics); PubMed 16834926 (cited by Labcorp Genetics (formerly Invitae), Labcorp and Athena Diagnostics); PubMed 27593222 (cited by Labcorp Genetics (formerly Invitae), Labcorp).